The following is an entry in ClinVar:

NM_004722.4(AP4M1):c.952C>T (p.Arg318Ter)

Gene: AP4M1 (adaptor related protein complex 4 subunit mu 1; plus strand). Cytogenetic location: 7q22.1.
Variant type: single nucleotide variant.
Coding change: c.952C>T on transcript NM_004722.4 (MANE Select); coding-DNA position 952, C replaced by T.
Protein change: p.Arg318Ter; replaces arginine 318 with a stop codon.
Molecular consequence: nonsense.
Genome position (GRCh38, 1-based): chr7:100,105,981, C>T. VCF-style: chr7-100105981-C-T. GRCh37 (hg19) VCF-style: chr7-99703604-C-T.
Other names: c.973C>T, p.Arg325Ter (NM_001363671.2); short protein forms R318*, R325*.
Identifiers: ClinVar variation 183357 (VCV000183357.16), dbSNP rs730882249, ClinGen allele CA249973.
Genomic context (GRCh38, chr7:100,105,981, plus strand): 5'-AGATGGCCTGAGTCGTGGTGTTTTACCCTCTCATCCAGGCTCCAGGTTTATCTAAAGTTG[C>T]GATGTGACCTGCTCTCAAAGAGGTAAGAGTGAGGCTGGCCTGGCTGAGTTCAGCTCTATG-3'

ClinVar aggregate classification (germline): Pathogenic. Review status: criteria provided, multiple submitters, no conflicts (2 of 4 stars). 11 submissions from 10 submitters: Pathogenic (6). 5 of the submissions do not count toward it. Last evaluated 2025-04-13.

Conditions:
AP4M1-related disorder. Also called: AP4M1-related condition.
Hypoplasia of the corpus callosum. Also called: Corpus callosum hypoplasia. Identifiers: MedGen C0344482, HP:0002079.
Brain atrophy. Identifiers: MedGen C4551584, HP:0012444.
Microcephaly. Also called: Microcephaly (disease). Identifiers: MedGen C4551563, MONDO:0001149, HP:0000252.
Global developmental delay (DD). Also called: Cognitive delay. Identifiers: MedGen C0557874, HP:0001263. Disease mechanism: loss of function.
CNS hypomyelination. Also called: Hypomyelination. Identifiers: MedGen C4025616, HP:0003429.
Spastic paraplegia. Identifiers: MedGen C0037772, HP:0001258.
Hereditary spastic paraplegia 50 (SPG50). Also called: Spastic paraplegia 50, autosomal recessive. Identifiers: Orphanet 280763, MedGen C2752008, MONDO:0013048, OMIM 612936.

Allele frequency attached by ClinVar (database versions not stated): gnomAD exomes below 0.00001 and 0.00001; TOPMed below 0.00001; ExAC 0.00001.
gnomAD v4.1: 14 of 1,614,112 alleles (0.00087%); highest among the groups gnomAD compares: East Asian, 0.0045%; no homozygotes.

Submissions (11):

Genetic Foundation of Khorasan Razavi (GFKR)
Classification: Pathogenic for Hereditary spastic paraplegia 50. Last evaluated: 2025-04-13. Review status: criteria provided, single submitter. Criteria: ACMG Guidelines, 2015. Collection method: clinical testing. Allele origin: inherited. Affected: yes. Observed: 1 homozygote.
Comment: This variant affects the canonical splice acceptor site, resulting in predicted loss of function. It is absent from population databases, supporting its rarity. This variant has been previously submitted in clinvar and classified as pathogenic(VCV000183357.15). Taken together, the evidence supports a pathogenic classification according to ACMG/AMP guidelines

Genomic Medicine Center of Excellence, King Faisal Specialist Hospital and Research Centre
Classification: Pathogenic for Hereditary spastic paraplegia 50. Last evaluated: 2024-03-17. Review status: criteria provided, single submitter. Criteria: ACMG Guidelines, 2015. Collection method: research. Allele origin: germline.

3billion
Classification: Pathogenic for Hereditary spastic paraplegia 50. Last evaluated: 2023-11-27. Review status: criteria provided, single submitter. Criteria: ACMG Guidelines, 2015. Collection method: clinical testing. Allele origin: germline. Affected: yes.
Comment: The variant is observed at an extremely low frequency in the gnomAD v2.1.1 dataset (total allele frequency: <0.001%). Predicted Consequence/Location: Stop-gained (nonsense): predicted to result in a loss or disruption of normal protein function through nonsense-mediated decay (NMD) or protein truncation. Multiple pathogenic variants are reported downstream of the variant. The variant has been reported at least twice as pathogenic with clinical assertions and evidence for the classification (ClinVar ID: VCV000183357 /PMID: 24700674). Therefore, this variant is classified as Pathogenic according to the recommendation of ACMG/AMP guideline.

PreventionGenetics, part of Exact Sciences
Classification: Pathogenic for AP4M1-related condition. Last evaluated: 2022-12-20. Review status: criteria provided, single submitter. Criteria: ACMG Guidelines, 2015. Collection method: clinical testing. Allele origin: germline.
Comment: The AP4M1 c.952C>T variant is predicted to result in premature protein termination (p.Arg318*). This variant was reported in individuals with autosomal recessive spastic tetraplegia (Tüysüz et al. 2014. PubMed ID: 24700674; Table S1, Monies et al. 2019. PubMed ID: 31130284; Table S2, Dong et al. 2020. PubMed ID: 32005694). This variant is reported in 0.00088% of alleles in individuals of European (Non-Finnish) descent in gnomAD. Nonsense variants in AP4M1 are expected to be pathogenic. This variant is interpreted as pathogenic.

Institute of Human Genetics, University of Leipzig Medical Center
Classification: Pathogenic for Hereditary spastic paraplegia 50. Last evaluated: 2020-03-01. Review status: criteria provided, single submitter. Criteria: ACMG Guidelines, 2015. Collection method: clinical testing. Allele origin: biparental. Inheritance: Autosomal recessive inheritance. Affected: yes.
Comment: Review of the variants reported in Reuter et al., 2017, PMID: 28097321: PVS1,PM2,PM3,(PP1)

Pathology and Clinical Laboratory Medicine, King Fahad Medical City
Classification: Pathogenic for Hereditary spastic paraplegia 50. Review status: criteria provided, single submitter. Criteria: ACMG Guidelines, 2015. Collection method: clinical testing. Allele origin: germline. Affected: yes. Observed: 3 variant alleles.

Yale Center for Mendelian Genomics, Yale University
Classification: Likely pathogenic for Spastic paraplegia. Last evaluated: 2020-10-01. Review status: no assertion criteria provided. Collection method: literature only. Allele origin: germline. Affected: yes. Observed: 3 homozygotes. Study: Yale Center for Mendelian Genomics. Not counted in ClinVar's aggregate classification.

Genomic Medicine Center of Excellence, King Faisal Specialist Hospital and Research Centre
Classification: Likely pathogenic for Microcephaly; Developmental delay; Hypomyelination; Hypoplastic corpus callosum; Brain atrophy. Last evaluated: 2014-12-01. Review status: no assertion criteria provided. Criteria: research. Collection method: research. Allele origin: germline. Affected: yes. Not counted in ClinVar's aggregate classification.

OMIM
Classification: Pathogenic for SPASTIC PARAPLEGIA 50, AUTOSOMAL RECESSIVE. Last evaluated: 2014-07-01. Review status: no assertion criteria provided. Collection method: literature only. Allele origin: germline. Not counted in ClinVar's aggregate classification.

Diagnostic Laboratory, Department of Genetics, University Medical Center Groningen
Classification: Pathogenic. Review status: no assertion criteria provided. Collection method: clinical testing. Allele origin: germline. Affected: yes. Study: VKGL Data-share Consensus. Not counted in ClinVar's aggregate classification.

Joint Genome Diagnostic Labs from Nijmegen and Maastricht, Radboudumc and MUMC+
Classification: Pathogenic. Review status: no assertion criteria provided. Collection method: clinical testing. Allele origin: germline. Affected: yes. Study: VKGL Data-share Consensus. Not counted in ClinVar's aggregate classification.

Literature cited by the submitters: DOI 10.1186/s13023-017-0721-2 (cited by Genetic Foundation of Khorasan Razavi (GFKR)); PubMed 24700674 (cited by 3billion and OMIM); PubMed 32979048 (cited by Yale Center for Mendelian Genomics, Yale University); PubMed 25558065 (cited by Genomic Medicine Center of Excellence, King Faisal Specialist Hospital and Research Centre).